The following is an entry in ClinVar:

ClinVar aggregate classification (germline): Uncertain significance (1 of 4 stars; one submission).

Conditions:
Ehlers-Danlos syndrome, type 4 (EDSVASC). Also called: Ehlers-Danlos syndrome vascular type; Ehlers Danlos syndrome, ecchymotic type; Ehlers Danlos syndrome, arterial type; Ehlers Danlos syndrome, Sack-Barabas type; Ehlers-Danlos Syndrome Type IV. Identifiers: Orphanet 286, MedGen C0268338, MONDO:0017314, OMIM 130050.

Submission:

Labcorp Genetics (formerly Invitae), Labcorp
Classification: Uncertain significance for Ehlers-Danlos syndrome, type 4. Last evaluated: 2025-06-18. Review status: criteria provided, single submitter. Criteria: Invitae Variant Classification Sherloc (09022015). Collection method: clinical testing. Allele origin: germline.
Comment: This sequence change falls in intron 14 of the COL3A1 gene. It does not directly change the encoded amino acid sequence of the COL3A1 protein. It affects a nucleotide within the consensus splice site. This variant is not present in population databases (gnomAD no frequency). This variant has not been reported in the literature in individuals affected with COL3A1-related conditions. Variants that disrupt the consensus splice site are a relatively common cause of aberrant splicing (PMID: 17576681, 9536098). Algorithms developed to predict the effect of sequence changes on RNA splicing suggest that this variant may disrupt the consensus splice site. In summary, the available evidence is currently insufficient to determine the role of this variant in disease. Therefore, it has been classified as a Variant of Uncertain Significance.

Literature cited by the submitters: PubMed 17576681; PubMed 9536098.

NM_000090.4(COL3A1):c.996+5G>A

Gene: COL3A1 (collagen type III alpha 1 chain; plus strand). Cytogenetic location: 2q32.2.
Variant type: single nucleotide variant.
Coding change: c.996+5G>A on transcript NM_000090.4 (MANE Select); 5 bases into the intron after coding-DNA position 996, G replaced by A.
Molecular consequence: intron variant.
Genome position (GRCh38, 1-based): chr2:188,992,233, G>A. VCF-style: chr2-188992233-G-A. GRCh37 (hg19) VCF-style: chr2-189856959-G-A.
Identifiers: ClinVar variation 4721333 (VCV004721333.1).